The following is an entry in ClinVar:

NM_032888.4(COL27A1):c.1909-3C>T

Gene: COL27A1 (collagen type XXVII alpha 1 chain; plus strand). Cytogenetic location: 9q32.
Variant type: single nucleotide variant.
Coding change: c.1909-3C>T on transcript NM_032888.4 (MANE Select); 3 bases into the intron before coding-DNA position 1909, C replaced by T.
Molecular consequence: intron variant.
Genome position (GRCh38, 1-based): chr9:114,178,288, C>T. VCF-style: chr9-114178288-C-T. GRCh37 (hg19) VCF-style: chr9-116940568-C-T.
Identifiers: ClinVar variation 2165713 (VCV002165713.1), dbSNP rs1363843943, ClinGen allele CA590123411.

ClinVar aggregate classification (germline): Uncertain significance (1 of 4 stars; one submission).

Allele frequency attached by ClinVar (database versions not stated): TOPMed below 0.00001; gnomAD 0.00001; gnomAD exomes 0.00001.
gnomAD v4.1: 5 of 1,613,814 alleles (0.00031%); highest among the groups gnomAD compares: Admixed American, 0.0083%; no homozygotes.

Submission:

Labcorp Genetics (formerly Invitae), Labcorp
Classification: Uncertain significance. Last evaluated: 2022-02-20. Review status: criteria provided, single submitter. Criteria: Invitae Variant Classification Sherloc (09022015). Collection method: clinical testing. Allele origin: germline.
Comment: This sequence change falls in intron 3 of the COL27A1 gene. It does not directly change the encoded amino acid sequence of the COL27A1 protein. It affects a nucleotide within the consensus splice site. This variant is present in population databases (no rsID available, gnomAD 0.01%). This variant has not been reported in the literature in individuals affected with COL27A1-related conditions. Variants that disrupt the consensus splice site are a relatively common cause of aberrant splicing (PMID: 17576681, 9536098). Algorithms developed to predict the effect of sequence changes on RNA splicing suggest that this variant is not likely to affect RNA splicing. In summary, the available evidence is currently insufficient to determine the role of this variant in disease. Therefore, it has been classified as a Variant of Uncertain Significance.

Literature cited by the submitters: PubMed 17576681; PubMed 9536098.